The following is an entry in ClinVar:

NM_194454.3(KRIT1):c.1739dup (p.Asn580fs)

Gene: KRIT1 (KRIT1 ankyrin repeat containing; minus strand). Cytogenetic location: 7q21.2.
Variant type: Duplication.
Coding change: c.1739dup on transcript NM_194454.3 (MANE Select); coding-DNA position 1739, one base duplicated (A; older notation c.1739dupA).
Protein change: p.Asn580fs; shifts the reading frame from asparagine 580.
Molecular consequence: frameshift variant.
Genome position (GRCh38, 1-based): chr7:92,213,971, T duplicated on the plus strand (A on the coding strand, the reverse complement: KRIT1 is on the minus strand); the first of 4 consecutive T bases (chr7:92,213,971-92,213,974); duplicating any one gives the same sequence. VCF-style (leftmost placement, unchanged base first): chr7-92213970-A-AT. GRCh37 (hg19) VCF-style: chr7-91843284-A-AT.
Other names: c.1595dup, p.Asn532fs (NM_001013406.2, NM_001350669.1, NM_001350670.1); c.1025dup, p.Asn342fs (NM_001350671.1); c.1739dup, p.Asn580fs (NM_001350672.1, NM_001350673.1, NM_001350674.1 and 26 more transcripts); short protein forms N532fs, N580fs, N342fs.
Identifiers: ClinVar variation 847968 (VCV000847968.8), dbSNP rs1563243016, ClinGen allele CA916082301.

ClinVar aggregate classification (germline): Pathogenic (1 of 4 stars; one submission).

Conditions:
Cerebral cavernous malformation (CCM). Also called: Cerebral cavernous hemangioma (type); Cerebral cavernous malformations; CAVERNOUS ANGIOMA, FAMILIAL; CAVERNOUS ANGIOMATOUS MALFORMATIONS; CEREBRAL CAPILLARY MALFORMATIONS; Cavernous Hemangioma of Brain. Identifiers: Orphanet 221061, MedGen C2919945, MONDO:0000820, OMIM 116860, HP:0033522.

Submission:

Labcorp Genetics (formerly Invitae), Labcorp
Classification: Pathogenic for Cerebral cavernous malformation. Last evaluated: 2019-01-26. Review status: criteria provided, single submitter. Criteria: Invitae Variant Classification Sherloc (09022015). Collection method: clinical testing. Allele origin: germline.
Comment: For these reasons, this variant has been classified as Pathogenic. Loss-of-function variants in KRIT1 are known to be pathogenic (PMID: 10508515, 11222804, 12404106, 24689081). This variant has not been reported in the literature in individuals with KRIT1-related conditions. This variant is not present in population databases (ExAC no frequency). This sequence change creates a premature translational stop signal (p.Asn580Lysfs*14) in the KRIT1 gene. It is expected to result in an absent or disrupted protein product.

Literature cited by the submitters: PubMed 10508515; PubMed 11222804; PubMed 12404106; PubMed 24689081.